The following is an entry in ClinVar:

ClinVar aggregate classification (germline): Uncertain significance (1 of 4 stars; one submission).

Conditions:
Bardet-Biedl syndrome (BBS). Identifiers: Orphanet 110, MedGen C0752166, MONDO:0015229.

Submission:

Lab De Baere, Eye and Developmental Genetics Lab, Ghent University
Classification: Uncertain significance for Bardet-Biedl syndrome. Last evaluated: 2024-10-01. Review status: criteria provided, single submitter. Criteria: ACMG Guidelines, 2015. Collection method: research. Allele origin: inherited. Affected: yes. Observed: 1 variant allele.
Comment: ACMG/AMP guidelines: PM2, PP3

NM_152618.3(BBS12):c.1566T>G (p.Cys522Trp)

Gene: BBS12 (Bardet-Biedl syndrome 12; plus strand). Cytogenetic location: 4q27.
Variant type: single nucleotide variant.
Coding change: c.1566T>G on transcript NM_152618.3 (MANE Select); coding-DNA position 1566, T replaced by G.
Protein change: p.Cys522Trp; replaces cysteine 522 with tryptophan.
Molecular consequence: missense variant.
Genome position (GRCh38, 1-based): chr4:122,743,458, T>G. VCF-style: chr4-122743458-T-G. GRCh37 (hg19) VCF-style: chr4-123664613-T-G.
Other names: c.1566T>G, p.Cys522Trp (NM_001178007.2); short protein forms C522W.
Identifiers: ClinVar variation 3544431 (VCV003544431.1).